The following is an entry in ClinVar:

ClinVar aggregate classification (germline): Uncertain significance (1 of 4 stars; one submission).

Submission:

Labcorp Genetics (formerly Invitae), Labcorp
Classification: Uncertain significance. Last evaluated: 2024-10-22. Review status: criteria provided, single submitter. Criteria: Invitae Variant Classification Sherloc (09022015). Collection method: clinical testing. Allele origin: germline.
Comment: This sequence change replaces leucine, which is neutral and non-polar, with proline, which is neutral and non-polar, at codon 288 of the KDF1 protein (p.Leu288Pro). This variant is not present in population databases (gnomAD no frequency). This variant has not been reported in the literature in individuals affected with KDF1-related conditions. Invitae Evidence Modeling of protein sequence and biophysical properties (such as structural, functional, and spatial information, amino acid conservation, physicochemical variation, residue mobility, and thermodynamic stability) indicates that this missense variant is not expected to disrupt KDF1 protein function with a negative predictive value of 80%. In summary, the available evidence is currently insufficient to determine the role of this variant in disease. Therefore, it has been classified as a Variant of Uncertain Significance.

NM_152365.3(KDF1):c.863T>C (p.Leu288Pro)

Gene: KDF1 (keratinocyte differentiation factor 1; minus strand). Cytogenetic location: 1p36.11.
Variant type: single nucleotide variant.
Coding change: c.863T>C on transcript NM_152365.3 (MANE Select); coding-DNA position 863, T replaced by C.
Protein change: p.Leu288Pro; replaces leucine 288 with proline.
Molecular consequence: missense variant.
Genome position (GRCh38, 1-based): chr1:26,951,518, A>G on the plus strand (T>C on the coding strand, the complement: KDF1 is on the minus strand). VCF-style: chr1-26951518-A-G. GRCh37 (hg19) VCF-style: chr1-27278009-A-G.
Other names: short protein forms L288P.
Identifiers: ClinVar variation 3666209 (VCV003666209.2).